The following is an entry in ClinVar:

NM_000135.4(FANCA):c.3130C>G (p.Gln1044Glu)

Gene: FANCA (FA complementation group A; minus strand). Cytogenetic location: 16q24.3.
Variant type: single nucleotide variant.
Coding change: c.3130C>G on transcript NM_000135.4 (MANE Select); coding-DNA position 3130, C replaced by G.
Protein change: p.Gln1044Glu; replaces glutamine 1044 with glutamic acid.
Molecular consequence: missense variant.
Genome position (GRCh38, 1-based): chr16:89,749,839, G>C on the plus strand (C>G on the coding strand, the complement: FANCA is on the minus strand). VCF-style: chr16-89749839-G-C. GRCh37 (hg19) VCF-style: chr16-89816247-G-C.
Other names: c.3130C>G, p.Gln1044Glu (NM_001286167.3); short protein forms Q1044E.
Identifiers: ClinVar variation 5036354 (VCV005036354.1).

ClinVar aggregate classification (germline): Uncertain significance (1 of 4 stars; one submission).

Conditions:
Inborn genetic diseases. Identifiers: MedGen C0950123, MeSH D030342.

gnomAD v4.1: 1 of 1,614,208 alleles (0.000062%); highest among the groups gnomAD compares: Non-Finnish European, 0.000085%; no homozygotes.

Submission:

Ambry Genetics
Classification: Uncertain significance for Inborn genetic diseases. Last evaluated: 2026-07-13. Review status: criteria provided, single submitter. Criteria: Ambry Variant Classification Scheme 2023. Collection method: clinical testing. Allele origin: germline.
Comment: The p.Q1044E variant (also known as c.3130C>G), located in coding exon 32 of the FANCA gene, results from a C to G substitution at nucleotide position 3130. The glutamine at codon 1044 is replaced by glutamic acid, an amino acid with highly similar properties. This amino acid position is conserved. In addition, this alteration is predicted to be tolerated by in silico analysis. Based on the available evidence, the clinical significance of this variant remains unclear.